The following is an entry in ClinVar:

NM_001101362.3(KBTBD13):c.925G>C (p.Val309Leu)

Gene: KBTBD13 (kelch repeat and BTB domain containing 13; plus strand). Cytogenetic location: 15q22.31.
Variant type: single nucleotide variant.
Coding change: c.925G>C on transcript NM_001101362.3 (MANE Select); coding-DNA position 925, G replaced by C.
Protein change: p.Val309Leu; replaces valine 309 with leucine.
Molecular consequence: missense variant.
Genome position (GRCh38, 1-based): chr15:65,077,740, G>C. VCF-style: chr15-65077740-G-C. GRCh37 (hg19) VCF-style: chr15-65370078-G-C.
Other names: short protein forms V309L.
Identifiers: ClinVar variation 532997 (VCV000532997.10), dbSNP rs532324778, ClinGen allele CA7614024.

ClinVar aggregate classification (germline): Uncertain significance. Review status: criteria provided, multiple submitters, no conflicts (2 of 4 stars). 2 submissions from 2 submitters: Uncertain significance (2). Last evaluated 2024-10-12.

Conditions:
Inborn genetic diseases. Identifiers: MedGen C0950123, MeSH D030342.
Nemaline myopathy 6 (NEM6). Also called: Nemaline myopathy 6, autosomal dominant. Identifiers: Orphanet 171439, MedGen C1836472, MONDO:0012237, OMIM 609273.

Allele frequency attached by ClinVar (database versions not stated): ExAC 0.00004; 1000 Genomes Project 30x 0.00016; 1000 Genomes Project 0.00020; gnomAD below 0.00001 and 0.00001.
gnomAD v4.1: 19 of 1,584,280 alleles (0.0012%); highest among the groups gnomAD compares: South Asian, 0.021%; no homozygotes.

Submissions (2):

Ambry Genetics
Classification: Uncertain significance for Inborn genetic diseases. Last evaluated: 2024-10-12. Review status: criteria provided, single submitter. Criteria: Ambry Variant Classification Scheme 2023. Collection method: clinical testing. Allele origin: germline.

Labcorp Genetics (formerly Invitae), Labcorp
Classification: Uncertain significance for Nemaline myopathy 6. Last evaluated: 2022-07-25. Review status: criteria provided, single submitter. Criteria: Invitae Variant Classification Sherloc (09022015). Collection method: clinical testing. Allele origin: germline.
Comment: Algorithms developed to predict the effect of missense changes on protein structure and function (SIFT, PolyPhen-2, Align-GVGD) all suggest that this variant is likely to be tolerated. ClinVar contains an entry for this variant (Variation ID: 532997). This sequence change replaces valine, which is neutral and non-polar, with leucine, which is neutral and non-polar, at codon 309 of the KBTBD13 protein (p.Val309Leu). This variant is present in population databases (rs532324778, gnomAD 0.007%). This variant has not been reported in the literature in individuals affected with KBTBD13-related conditions. In summary, the available evidence is currently insufficient to determine the role of this variant in disease. Therefore, it has been classified as a Variant of Uncertain Significance.